The following is an entry in ClinVar:

NM_001130004.2(ACTN1):c.1787C>T (p.Thr596Met)

Gene: ACTN1 (actinin alpha 1; minus strand). Cytogenetic location: 14q24.1.
Variant type: single nucleotide variant.
Coding change: c.1787C>T on transcript NM_001130004.2 (MANE Select); coding-DNA position 1787, C replaced by T.
Protein change: p.Thr596Met; replaces threonine 596 with methionine.
Molecular consequence: missense variant.
Genome position (GRCh38, 1-based): chr14:68,882,904, G>A on the plus strand (C>T on the coding strand, the complement: ACTN1 is on the minus strand). VCF-style: chr14-68882904-G-A. GRCh37 (hg19) VCF-style: chr14-69349621-G-A.
Other names: c.1787C>T, p.Thr596Met (NM_001102.4, NM_001130005.2); c.1811C>T, p.Thr604Met (NM_001411035.1); c.1592C>T, p.Thr531Met (NM_001411036.1); short protein forms T604M, T531M, T596M.
Identifiers: ClinVar variation 2544026 (VCV002544026.3), dbSNP rs769325974, ClinGen allele CA7242281.

ClinVar aggregate classification (germline): Uncertain significance. Review status: criteria provided, multiple submitters, no conflicts (2 of 4 stars). 2 submissions from 2 submitters: Uncertain significance (2). Last evaluated 2026-01-11.

Conditions:
Inborn genetic diseases. Identifiers: MedGen C0950123, MeSH D030342.

Allele frequency attached by ClinVar (database versions not stated): gnomAD exomes 0.00001; TOPMed 0.00001; gnomAD 0.00002; ExAC 0.00003.
gnomAD v4.1: 18 of 1,614,046 alleles (0.0011%); highest among the groups gnomAD compares: East Asian, 0.0045%; no homozygotes.

Submissions (2):

Labcorp Genetics (formerly Invitae), Labcorp
Classification: Uncertain significance. Last evaluated: 2026-01-11. Review status: criteria provided, single submitter. Criteria: Invitae Variant Classification Sherloc (09022015). Collection method: clinical testing. Allele origin: germline.
Comment: This sequence change replaces threonine, which is neutral and polar, with methionine, which is neutral and non-polar, at codon 596 of the ACTN1 protein (p.Thr596Met). This variant is present in population databases (rs769325974, gnomAD 0.01%). This variant has not been reported in the literature in individuals affected with ACTN1-related conditions. ClinVar contains an entry for this variant (Variation ID: 2544026). Invitae Evidence Modeling of protein sequence and biophysical properties (such as structural, functional, and spatial information, amino acid conservation, physicochemical variation, residue mobility, and thermodynamic stability) indicates that this missense variant is expected to disrupt ACTN1 protein function with a positive predictive value of 80%. In summary, the available evidence is currently insufficient to determine the role of this variant in disease. Therefore, it has been classified as a Variant of Uncertain Significance.

Ambry Genetics
Classification: Uncertain significance for Inborn genetic diseases. Last evaluated: 2023-05-05. Review status: criteria provided, single submitter. Criteria: Ambry Variant Classification Scheme 2023. Collection method: clinical testing. Allele origin: germline.